The following is an entry in ClinVar:

ClinVar aggregate classification (germline): Pathogenic (1 of 4 stars; one submission).

Conditions:
Methylmalonic aciduria and homocystinuria type cblF. Also called: VITAMIN B12 LYSOSOMAL RELEASE DEFECT; VITAMIN B12 STORAGE DISEASE; COBALAMIN F DISEASE; COBALAMIN, DEFECT IN LYSOSOMAL RELEASE OF; METHYLMALONIC ACIDEMIA AND HOMOCYSTINURIA, cblF TYPE; METHYLMALONIC ACIDURIA DUE TO VITAMIN B12-RELEASE DEFECT. Identifiers: Orphanet 79284, MedGen C1848578, MONDO:0010183, OMIM 277380.

Submission:

Labcorp Genetics (formerly Invitae), Labcorp
Classification: Pathogenic for Methylmalonic aciduria and homocystinuria type cblF. Last evaluated: 2024-02-03. Review status: criteria provided, single submitter. Criteria: Invitae Variant Classification Sherloc (09022015). Collection method: clinical testing. Allele origin: germline.
Comment: This sequence change creates a premature translational stop signal (p.Ala231Leufs*14) in the LMBRD1 gene. It is expected to result in an absent or disrupted protein product. Loss-of-function variants in LMBRD1 are known to be pathogenic (PMID: 19136951, 21303734). This variant is not present in population databases (gnomAD no frequency). This variant has not been reported in the literature in individuals affected with LMBRD1-related conditions. For these reasons, this variant has been classified as Pathogenic.

Literature cited by the submitters: PubMed 19136951; PubMed 21303734.

NM_018368.4(LMBRD1):c.690del (p.Ala231fs)

Gene: LMBRD1 (LMBR1 domain containing 1; minus strand). Cytogenetic location: 6q13.
Variant type: Deletion.
Coding change: c.690del on transcript NM_018368.4 (MANE Select); coding-DNA position 690, one base deleted (T; older notation c.690delT).
Protein change: p.Ala231fs; shifts the reading frame from alanine 231.
Molecular consequence: frameshift variant.
Genome position (GRCh38, 1-based): chr6:69,719,028, A deleted on the plus strand (T on the coding strand, the reverse complement: LMBRD1 is on the minus strand). VCF-style (leftmost placement, unchanged base first): chr6-69719027-CA-C. GRCh37 (hg19) VCF-style: chr6-70428919-CA-C.
Other names: c.471del, p.Ala158fs (NM_001363722.2, NM_001367271.1, NM_001367272.1); short protein forms A158fs, A231fs.
Identifiers: ClinVar variation 3625107 (VCV003625107.3).